The following is an entry in ClinVar:

NM_000548.5(TSC2):c.1798C>T (p.His600Tyr)

Gene: TSC2 (TSC complex subunit 2; plus strand). Cytogenetic location: 16p13.3.
Variant type: single nucleotide variant.
Coding change: c.1798C>T on transcript NM_000548.5 (MANE Select); coding-DNA position 1798, C replaced by T.
Protein change: p.His600Tyr; replaces histidine 600 with tyrosine.
Molecular consequence: missense variant.
Genome position (GRCh38, 1-based): chr16:2,070,537, C>T. VCF-style: chr16-2070537-C-T. GRCh37 (hg19) VCF-style: chr16-2120538-C-T.
Other names: c.1798C>T, p.His600Tyr (NM_001077183.3, NM_001114382.3, NM_001363528.2 and 3 more transcripts); c.1687C>T, p.His563Tyr (NM_001318827.2); c.1651C>T, p.His551Tyr (NM_001318829.2); c.1198C>T, p.His400Tyr (NM_001318831.2); c.1831C>T, p.His611Tyr (NM_001318832.2); c.1798C>T (NM_000548.4); short protein forms H600Y, H551Y, H563Y, H400Y, H611Y.
Identifiers: ClinVar variation 467896 (VCV000467896.16), dbSNP rs775390128, ClinGen allele CA033559.

ClinVar aggregate classification (germline): Benign/Likely benign. Review status: criteria provided, multiple submitters, no conflicts (2 of 4 stars). 4 submissions from 4 submitters: Benign (1); Likely benign (2). 1 of the submissions does not count toward it. Last evaluated 2025-12-21.

Conditions:
Tuberous sclerosis 2 (TSC2). Identifiers: Orphanet 805, MedGen C1860707, MONDO:0013199, OMIM 613254.
TSC2-related disorder. Also called: TSC2-related condition; TSC2-Related Disorders.
Tuberous sclerosis syndrome (TSC). Also called: Tuberous Sclerosis Complex; Tuberous sclerosis. Identifiers: Orphanet 805, MedGen C0041341, MONDO:0001734.
Hereditary cancer-predisposing syndrome. Also called: Hereditary neoplastic syndrome; Neoplastic Syndromes, Hereditary; Tumor predisposition; Hereditary Cancer Syndrome. Identifiers: Orphanet 140162, MedGen C0027672, MeSH D009386, MONDO:0015356.

Allele frequency attached by ClinVar (database versions not stated): gnomAD exomes below 0.00001 and 0.00001; ExAC 0.00002; TOPMed 0.00002; gnomAD 0.00003.
gnomAD v4.1: 10 of 1,613,188 alleles (0.00062%); highest among the groups gnomAD compares: Admixed American, 0.0033%; no homozygotes.

Submissions (4):

Labcorp Genetics (formerly Invitae), Labcorp
Classification: Benign for Tuberous sclerosis 2. Last evaluated: 2025-12-21. Review status: criteria provided, single submitter. Criteria: Invitae Variant Classification Sherloc (09022015). Collection method: clinical testing. Allele origin: germline.

Ambry Genetics
Classification: Likely benign for Hereditary cancer-predisposing syndrome. Last evaluated: 2025-10-31. Review status: criteria provided, single submitter. Criteria: Ambry Variant Classification Scheme 2023. Collection method: clinical testing. Allele origin: germline.

Color Diagnostics, LLC DBA Color Health
Classification: Likely benign for Tuberous sclerosis syndrome. Last evaluated: 2022-09-21. Review status: criteria provided, single submitter. Criteria: ACMG Guidelines, 2015. Collection method: clinical testing. Allele origin: germline.

PreventionGenetics, part of Exact Sciences
Classification: Uncertain significance for TSC2-related condition. Last evaluated: 2024-03-11. Review status: no assertion criteria provided. Collection method: clinical testing. Allele origin: germline. Not counted in ClinVar's aggregate classification.
Comment: The TSC2 c.1798C>T variant is predicted to result in the amino acid substitution p.His600Tyr. To our knowledge, this variant has not been reported in the literature. This variant is reported in 0.0065% of alleles in individuals of South Asian descent in gnomAD. This variant is interpreted as uncertain or benign in ClinVar. At this time, the clinical significance of this variant is uncertain due to the absence of conclusive functional and genetic evidence.